The following is an entry in ClinVar:

NM_001844.5(COL2A1):c.3948C>G (p.Asn1316Lys)

Gene: COL2A1 (collagen type II alpha 1 chain; minus strand). Cytogenetic location: 12q13.11.
Variant type: single nucleotide variant.
Coding change: c.3948C>G on transcript NM_001844.5 (MANE Select); coding-DNA position 3948, C replaced by G.
Protein change: p.Asn1316Lys; replaces asparagine 1316 with lysine.
Molecular consequence: missense variant.
Genome position (GRCh38, 1-based): chr12:47,974,801, G>C on the plus strand (C>G on the coding strand, the complement: COL2A1 is on the minus strand). VCF-style: chr12-47974801-G-C. GRCh37 (hg19) VCF-style: chr12-48368584-G-C.
Other names: c.3741C>G, p.Asn1247Lys (NM_033150.3); short protein forms N1247K, N1316K.
Identifiers: ClinVar variation 4747043 (VCV004747043.1).

ClinVar aggregate classification (germline): Uncertain significance (1 of 4 stars; one submission).

Submission:

Labcorp Genetics (formerly Invitae), Labcorp
Classification: Uncertain significance. Last evaluated: 2025-10-15. Review status: criteria provided, single submitter. Criteria: Invitae Variant Classification Sherloc (09022015). Collection method: clinical testing. Allele origin: germline.
Comment: This sequence change replaces asparagine, which is neutral and polar, with lysine, which is basic and polar, at codon 1316 of the COL2A1 protein (p.Asn1316Lys). This variant is not present in population databases (gnomAD no frequency). This variant has not been reported in the literature in individuals affected with COL2A1-related conditions. Invitae Evidence Modeling of protein sequence and biophysical properties (such as structural, functional, and spatial information, amino acid conservation, physicochemical variation, residue mobility, and thermodynamic stability) indicates that this missense variant is not expected to disrupt COL2A1 protein function with a negative predictive value of 95%. In summary, the available evidence is currently insufficient to determine the role of this variant in disease. Therefore, it has been classified as a Variant of Uncertain Significance.